The following is an entry in ClinVar:

NM_152618.3(BBS12):c.1945A>T (p.Asn649Tyr)

Gene: BBS12 (Bardet-Biedl syndrome 12; plus strand). Cytogenetic location: 4q27.
Variant type: single nucleotide variant.
Coding change: c.1945A>T on transcript NM_152618.3 (MANE Select); coding-DNA position 1945, A replaced by T.
Protein change: p.Asn649Tyr; replaces asparagine 649 with tyrosine.
Molecular consequence: missense variant.
Genome position (GRCh38, 1-based): chr4:122,743,837, A>T. VCF-style: chr4-122743837-A-T. GRCh37 (hg19) VCF-style: chr4-123664992-A-T.
Other names: c.1945A>T, p.Asn649Tyr (NM_001178007.2); short protein forms N649Y.
Identifiers: ClinVar variation 1525652 (VCV001525652.6), dbSNP rs2150737920, ClinGen allele CA358226222.
Genomic context (GRCh38, chr4:122,743,837, plus strand): 5'-TCTGGCTCTCCTTCATCTTACATCTTGAATGAATATAGTAAACTAAATAGTAGAATTTTT[A>T]ATTCAGACATTTCAAATAAACTGGAGCAGATTCCGAGAGTTTATGACGTTGTTACACCAA-3'
Protein context (NP_689831.2, residues 639-659): EYSKLNSRIF[Asn649Tyr]SDISNKLEQI

ClinVar aggregate classification (germline): Uncertain significance (1 of 4 stars; one submission).

Conditions:
Bardet-Biedl syndrome (BBS). Identifiers: Orphanet 110, MedGen C0752166, MONDO:0015229.

Submission:

Labcorp Genetics (formerly Invitae), Labcorp
Classification: Uncertain significance for Bardet-Biedl syndrome. Last evaluated: 2021-10-15. Review status: criteria provided, single submitter. Criteria: Invitae Variant Classification Sherloc (09022015). Collection method: clinical testing. Allele origin: germline.
Comment: In summary, the available evidence is currently insufficient to determine the role of this variant in disease. Therefore, it has been classified as a Variant of Uncertain Significance. Algorithms developed to predict the effect of missense changes on protein structure and function are either unavailable or do not agree on the potential impact of this missense change (SIFT: "Tolerated"; PolyPhen-2: "Possibly Damaging"; Align-GVGD: "Class C0"). This sequence change replaces asparagine with tyrosine at codon 649 of the BBS12 protein (p.Asn649Tyr). The asparagine residue is moderately conserved and there is a large physicochemical difference between asparagine and tyrosine. This variant is not present in population databases (ExAC no frequency). This variant has not been reported in the literature in individuals affected with BBS12-related conditions.